The following is an entry in ClinVar:

NM_000268.4(NF2):c.291G>T (p.Leu97Phe)

Gene: NF2 (NF2, moesin-ezrin-radixin like (MERLIN) tumor suppressor; plus strand). Cytogenetic location: 22q12.2.
Variant type: single nucleotide variant.
Coding change: c.291G>T on transcript NM_000268.4 (MANE Select); coding-DNA position 291, G replaced by T.
Protein change: p.Leu97Phe; replaces leucine 97 with phenylalanine.
Molecular consequence: missense variant. On other transcripts: non-coding transcript variant (1), intron variant (3).
Genome position (GRCh38, 1-based): chr22:29,639,140, G>T. VCF-style: chr22-29639140-G-T. GRCh37 (hg19) VCF-style: chr22-30035129-G-T.
Other names: c.291G>T, p.Leu97Phe (NM_016418.5, NM_181825.3, NM_181832.3 and 1 more transcripts); c.165G>T, p.Leu55Phe (NM_181828.3); c.240+2264G>T (NM_181829.3); c.115-3062G>T (NM_181830.3, NM_181831.3); short protein forms L55F, L97F.
Identifiers: ClinVar variation 1501455 (VCV001501455.9), dbSNP rs2146871037, ClinGen allele CA411153231.

ClinVar aggregate classification (germline): Uncertain significance. Review status: criteria provided, multiple submitters, no conflicts (2 of 4 stars). 2 submissions from 2 submitters: Uncertain significance (2). Last evaluated 2023-08-15.

Conditions:
Neurofibromatosis, type 2 (SWNV). Also called: BILATERAL ACOUSTIC NEUROFIBROMATOSIS; SCHWANNOMATOSIS, VESTIBULAR; NF2-Related Schwannomatosis. Identifiers: Orphanet 637, MedGen C0027832, MONDO:0007039, OMIM 101000. Disease mechanism: loss of function.

Submissions (2):

All of Us Research Program, National Institutes of Health
Classification: Uncertain significance for Neurofibromatosis, type 2. Last evaluated: 2023-08-15. Review status: criteria provided, single submitter. Criteria: ACMG Guidelines, 2015. Collection method: clinical testing. Allele origin: germline. Inheritance: Autosomal dominant inheritance. Observed: 1 variant allele, 1 heterozygote.
Comment: This missense variant replaces leucine with phenylalanine at codon 97 of the NF2 protein. Computational prediction is inconclusive regarding the impact of this variant on protein structure and function (internally defined REVEL score threshold 0.5 < inconclusive < 0.7, PMID: 27666373). To our knowledge, functional studies have not been reported for this variant. This variant has not been reported in individuals affected with NF2-related disorders in the literature. This variant has not been identified in the general population by the Genome Aggregation Database (gnomAD). The available evidence is insufficient to determine the role of this variant in disease conclusively. Therefore, this variant is classified as a Variant of Uncertain Significance.

This study involves interpretation of variants in research participants for the purpose of population health screening. Participant phenotype was not available at the time of variant classification. Additional details can be found in publication PMID: 35346344, PMCID: PMC8962531

Labcorp Genetics (formerly Invitae), Labcorp
Classification: Uncertain significance for Neurofibromatosis, type 2. Last evaluated: 2022-03-26. Review status: criteria provided, single submitter. Criteria: Invitae Variant Classification Sherloc (09022015). Collection method: clinical testing. Allele origin: germline.
Comment: Algorithms developed to predict the effect of missense changes on protein structure and function are either unavailable or do not agree on the potential impact of this missense change (SIFT: "Tolerated"; PolyPhen-2: "Probably Damaging"; Align-GVGD: "Class C0"). In summary, the available evidence is currently insufficient to determine the role of this variant in disease. Therefore, it has been classified as a Variant of Uncertain Significance. This variant has not been reported in the literature in individuals affected with NF2-related conditions. This variant is not present in population databases (gnomAD no frequency). This sequence change replaces leucine, which is neutral and non-polar, with phenylalanine, which is neutral and non-polar, at codon 97 of the NF2 protein (p.Leu97Phe).